The following is an entry in ClinVar:

ClinVar aggregate classification (germline): Likely benign. Review status: criteria provided, multiple submitters, no conflicts (2 of 4 stars). 3 submissions from 3 submitters: Likely benign (2). 1 of the submissions does not count toward it. Last evaluated 2025-11-30.

Conditions:
ABL1-related disorder. Also called: ABL1-related condition.

Allele frequency attached by ClinVar (database versions not stated): ExAC 0.00007; gnomAD exomes 0.00010; gnomAD 0.00011; TOPMed 0.00011; 1000 Genomes Project 30x 0.00016; 1000 Genomes Project 0.00020.
gnomAD v4.1: 153 of 1,601,054 alleles (0.0096%); highest among the groups gnomAD compares: Middle Eastern, 0.15%; 1 homozygote.

Submissions (3):

Labcorp Genetics (formerly Invitae), Labcorp
Classification: Likely benign. Last evaluated: 2025-11-30. Review status: criteria provided, single submitter. Criteria: Invitae Variant Classification Sherloc (09022015). Collection method: clinical testing. Allele origin: germline.

Blueprint Genetics
Classification: Likely benign. Last evaluated: 2024-11-25. Review status: criteria provided, single submitter. Criteria: ACMG Guidelines, 2015. Collection method: clinical testing. Allele origin: germline.

PreventionGenetics, part of Exact Sciences
Classification: Likely benign for ABL1-related condition. Last evaluated: 2023-01-24. Review status: no assertion criteria provided. Collection method: clinical testing. Allele origin: germline. Not counted in ClinVar's aggregate classification.
Comment: This variant is classified as likely benign based on ACMG/AMP sequence variant interpretation guidelines (Richards et al. 2015 PMID: 25741868, with internal and published modifications).

NM_005157.6(ABL1):c.1679-10T>C

Gene: ABL1 (ABL proto-oncogene 1, non-receptor tyrosine kinase; plus strand). Cytogenetic location: 9q34.12.
Variant type: single nucleotide variant.
Coding change: c.1679-10T>C on transcript NM_005157.6 (MANE Select); 10 bases into the intron before coding-DNA position 1679, T replaced by C.
Molecular consequence: intron variant.
Genome position (GRCh38, 1-based): chr9:130,883,959, T>C. VCF-style: chr9-130883959-T-C. GRCh37 (hg19) VCF-style: chr9-133759346-T-C.
Other names: c.1736-10T>C (NM_007313.2, NM_007313.3).
Identifiers: ClinVar variation 2152559 (VCV002152559.7), dbSNP rs548847174, ClinGen allele CA5285526.